The following is an entry in ClinVar:

NM_001035.3(RYR2):c.10142+4T>C

Gene: RYR2 (ryanodine receptor 2; plus strand). Cytogenetic location: 1q43.
Variant type: single nucleotide variant.
Coding change: c.10142+4T>C on transcript NM_001035.3 (MANE Select); 4 bases into the intron after coding-DNA position 10142, T replaced by C.
Molecular consequence: intron variant.
Genome position (GRCh38, 1-based): chr1:237,709,102, T>C. VCF-style: chr1-237709102-T-C. GRCh37 (hg19) VCF-style: chr1-237872402-T-C.
Identifiers: ClinVar variation 43696 (VCV000043696.20), dbSNP rs397516496, ClinGen allele CA006541.

ClinVar aggregate classification (germline): Conflicting classifications of pathogenicity. Review status: criteria provided, conflicting classifications (1 of 4 stars). 7 submissions from 7 submitters: Uncertain significance (4); Benign (1); Likely benign (2). Last evaluated 2023-11-08.

Conditions:
Cardiovascular phenotype. Identifiers: MedGen CN230736.
Cardiomyopathy (CMYO). Also called: Cardiomyopathies. Identifiers: Orphanet 167848, MedGen C0878544, MONDO:0004994, HP:0001638. Inheritance: Various modes of inheritance.
Catecholaminergic polymorphic ventricular tachycardia 1. Also called: VENTRICULAR TACHYCARDIA, STRESS-INDUCED POLYMORPHIC 1; VENTRICULAR TACHYCARDIA, CATECHOLAMINERGIC POLYMORPHIC, 1, WITH OR WITHOUT ATRIAL DYSFUNCTION AND/OR DILATED CARDIOMYOPATHY; RYR2-Related Catecholaminergic Polymorphic Ventricular Tachycardia. Identifiers: Orphanet 3286, MedGen C1631597, MONDO:0011484, OMIM 604772.
Catecholaminergic polymorphic ventricular tachycardia (CVPT). Also called: Catecholamine-induced polymorphic ventricular tachycardia. Identifiers: Orphanet 3286, MedGen C5574922, MONDO:0017990.

Allele frequency attached by ClinVar (database versions not stated): gnomAD 0.00001; gnomAD exomes 0.00001; TOPMed 0.00001.
gnomAD v4.1: 11 of 1,553,126 alleles (0.00071%); highest among the groups gnomAD compares: Non-Finnish European, 0.00087%; no homozygotes.

Submissions (7):

Labcorp Genetics (formerly Invitae), Labcorp
Classification: Uncertain significance for Catecholaminergic polymorphic ventricular tachycardia 1. Last evaluated: 2023-11-08. Review status: criteria provided, single submitter. Criteria: Invitae Variant Classification Sherloc (09022015). Collection method: clinical testing. Allele origin: germline.
Comment: This sequence change falls in intron 69 of the RYR2 gene. It does not directly change the encoded amino acid sequence of the RYR2 protein. It affects a nucleotide within the consensus splice site. This variant is not present in population databases (gnomAD no frequency). This variant has not been reported in the literature in individuals affected with RYR2-related conditions. ClinVar contains an entry for this variant (Variation ID: 43696). Variants that disrupt the consensus splice site are a relatively common cause of aberrant splicing (PMID: 17576681, 9536098). Algorithms developed to predict the effect of sequence changes on RNA splicing suggest that this variant is not likely to affect RNA splicing. In summary, the available evidence is currently insufficient to determine the role of this variant in disease. Therefore, it has been classified as a Variant of Uncertain Significance.

All of Us Research Program, National Institutes of Health
Classification: Likely benign for Catecholaminergic polymorphic ventricular tachycardia. Last evaluated: 2023-10-27. Review status: criteria provided, single submitter. Criteria: ACMG Guidelines, 2015. Collection method: clinical testing. Allele origin: germline. Inheritance: Autosomal dominant inheritance. Observed: 1 variant allele, 1 heterozygote.
Comment: This study involves interpretation of variants in research participants for the purpose of population health screening. Participant phenotype was not available at the time of variant classification. Additional details can be found in publication PMID: 35346344, PMCID: PMC8962531

Women's Health and Genetics/Laboratory Corporation of America, LabCorp
Classification: Uncertain significance. Last evaluated: 2022-03-29. Review status: criteria provided, single submitter. Criteria: LabCorp Variant Classification Summary - May 2015. Collection method: clinical testing. Allele origin: germline.
Comment: Variant summary: RYR2 c.10142+4T>C alters a nucleotide located close to a canonical splice site and therefore could affect mRNA splicing, leading to a significantly altered protein sequence. 4/4 computational tools predict no significant impact on normal splicing. However, these predictions have yet to be confirmed by functional studies. The variant was absent in 208128 control chromosomes. The available data on variant occurrences in the general population are insufficient to allow any conclusion about variant significance. To our knowledge, no occurrence of c.10142+4T>C in individuals affected with Catecholaminergic Polymorphic Ventricular Tachycardia and no experimental evidence demonstrating its impact on protein function have been reported. Three clinical diagnostic laboratories have submitted clinical-significance assessments for this variant to ClinVar after 2014 without evidence for independent evaluation. Based on the evidence outlined above, the variant was classified as uncertain significance.

Ambry Genetics
Classification: Uncertain significance for Cardiovascular phenotype. Last evaluated: 2022-02-20. Review status: criteria provided, single submitter. Criteria: Ambry Variant Classification Scheme 2023. Collection method: clinical testing. Allele origin: germline.
Comment: The c.10142+4T>C intronic alteration consists of a T to C substitution nucleotides after coding exon 69 in the RYR2 gene. Based on insufficient or conflicting evidence, the clinical significance of this alteration remains unclear.

Color Diagnostics, LLC DBA Color Health
Classification: Likely benign for Cardiomyopathy. Last evaluated: 2019-07-11. Review status: criteria provided, single submitter. Criteria: ACMG Guidelines, 2015. Collection method: clinical testing. Allele origin: germline.

GeneDx
Classification: Benign. Last evaluated: 2015-05-18. Review status: criteria provided, single submitter. Criteria: GeneDx Variant Classification Process June 2021. Collection method: clinical testing. Allele origin: germline. Affected: yes.

Laboratory for Molecular Medicine, Mass General Brigham Personalized Medicine
Classification: Uncertain significance. Last evaluated: 2012-12-14. Review status: criteria provided, single submitter. Criteria: LMM Criteria. Collection method: clinical testing. Allele origin: germline. Observed: 1 variant allele.
Comment: The 10142+4T>C variant in RYR2 has not been reported in the literature nor previ ously identified by our laboratory. This variant has also not been identified i n large and broad European American and African American populations by the NHLB I Exome Sequencing Project, though it may be common in other populations. This variant is located in the 5' splice region. Co mputational tools do not suggest an impact to splicing. However, this informatio n is not predictive enough to rule out pathogenicity. Additional information is needed to fully assess the clinical significance of the 10142+4T>C variant.

Literature cited by the submitters: PubMed 17576681 (cited by Labcorp Genetics (formerly Invitae), Labcorp); PubMed 9536098 (cited by Labcorp Genetics (formerly Invitae), Labcorp).